The following is an entry in ClinVar:

ClinVar aggregate classification (germline): Uncertain significance (1 of 4 stars; one submission).

Submission:

Ambry Genetics
Classification: Uncertain significance. Last evaluated: 2022-07-09. Review status: criteria provided, single submitter. Criteria: Ambry Variant Classification Scheme 2023. Collection method: clinical testing. Allele origin: germline.
Comment: The p.A523G variant (also known as c.1568C>G), located in coding exon 8 of the PALLD gene, results from a C to G substitution at nucleotide position 1568. The alanine at codon 523 is replaced by glycine, an amino acid with similar properties. This amino acid position is conserved. In addition, the in silico prediction for this alteration is inconclusive. Since supporting evidence is limited at this time, the clinical significance of this alteration remains unclear.

NM_001166108.2(PALLD):c.1568C>G (p.Ala523Gly)

Gene: PALLD (palladin, cytoskeletal associated protein; plus strand). Cytogenetic location: 4q32.3.
Variant type: single nucleotide variant.
Coding change: c.1568C>G on transcript NM_001166108.2 (MANE Select); coding-DNA position 1568, C replaced by G.
Protein change: p.Ala523Gly; replaces alanine 523 with glycine.
Molecular consequence: missense variant.
Genome position (GRCh38, 1-based): chr4:168,709,094, C>G. VCF-style: chr4-168709094-C-G. GRCh37 (hg19) VCF-style: chr4-169630245-C-G.
Other names: c.422C>G, p.Ala141Gly (NM_001166109.2); c.1568C>G, p.Ala523Gly (NM_016081.4); short protein forms A523G, A141G.
Identifiers: ClinVar variation 1775416 (VCV001775416.2), dbSNP rs768657723, ClinGen allele CA358797498.